The following is an entry in ClinVar:

NM_000089.4(COL1A2):c.192_200dup (p.Gly72_Leu73insProProGly)

Gene: COL1A2 (collagen type I alpha 2 chain; plus strand). Cytogenetic location: 7q21.3.
Variant type: Duplication.
Coding change: c.192_200dup on transcript NM_000089.4 (MANE Select); coding-DNA positions 192 to 200, 9 bases duplicated (ACCTGGTCC; older notation c.192_200dupACCTGGTCC).
Protein change: p.Gly72_Leu73insProProGly.
Molecular consequence: inframe insertion.
Genome position (GRCh38, 1-based): chr7:94,400,255-94,400,263, ACCTGGTCC duplicated; duplicating any 9 consecutive bases within chr7:94,400,247-94,400,263 gives the same sequence; the c. name uses the placement nearest the transcript's 3' end. VCF-style (leftmost placement, unchanged base first): chr7-94400246-T-TCCTGGTCCA. GRCh37 (hg19) VCF-style: chr7-94029558-T-TCCTGGTCCA.
Identifiers: ClinVar variation 3758183 (VCV003758183.2).
Genomic context (GRCh38, chr7:94,400,246, plus strand): 5'-TACATAACAGGGTCCACCAGGCCCCCCAGGCAGAGATGGTGAAGATGGTCCCACAGGCCC[T>TCCTGGTCCA]CCTGGTCCACCTGGTCCTCCTGGCCCCCCTGGTCTCGGTGGGGTAAGGTGTCTTACGTAT-3'

ClinVar aggregate classification (germline): Uncertain significance (1 of 4 stars; one submission).

Conditions:
Ehlers-Danlos syndrome, classic type, 1 (EDSCL1). Also called: EHLERS-DANLOS SYNDROME, GRAVIS TYPE; EHLERS-DANLOS SYNDROME, SEVERE CLASSIC TYPE; Ehlers-Danlos syndrome, type 1; Ehlers-Danlos Syndrome, Classic Type, COL5A1-Related; EDS I. Identifiers: MedGen C0268335, MONDO:0019567, OMIM 130000.
Osteogenesis imperfecta type I (OI1). Also called: OI, TYPE I; OSTEOGENESIS IMPERFECTA TARDA; OSTEOGENESIS IMPERFECTA WITH BLUE SCLERAE; Osteogenesis imperfecta type 1; Lobstein's Disease; Lobstein disease. Identifiers: Orphanet 216796, Orphanet 666, MedGen C0023931, MONDO:0008146, OMIM 166200. Disease mechanism: loss of function.

Submission:

Labcorp Genetics (formerly Invitae), Labcorp
Classification: Uncertain significance for Osteogenesis imperfecta type I; Ehlers-Danlos syndrome, classic type, 1. Last evaluated: 2025-06-05. Review status: criteria provided, single submitter. Criteria: Invitae Variant Classification Sherloc (09022015). Collection method: clinical testing. Allele origin: germline.
Comment: This variant, c.192_200dup, results in the insertion of 3 amino acid(s) of the COL1A2 protein (p.Pro70_Gly72dup), but otherwise preserves the integrity of the reading frame. This variant is present in population databases (rs779932887, gnomAD 0.002%). This variant has not been reported in the literature in individuals affected with COL1A2-related conditions. ClinVar contains an entry for this variant (Variation ID: 3758183). Experimental studies and prediction algorithms are not available or were not evaluated, and the functional significance of this variant is currently unknown. In summary, the available evidence is currently insufficient to determine the role of this variant in disease. Therefore, it has been classified as a Variant of Uncertain Significance.